The following is an entry in ClinVar:

ClinVar aggregate classification (germline): Uncertain significance (1 of 4 stars; one submission).

Submission:

GeneDx
Classification: Uncertain significance. Last evaluated: 2025-06-10. Review status: criteria provided, single submitter. Criteria: GeneDx Variant Classification Process June 2021. Collection method: clinical testing. Allele origin: germline. Affected: yes.
Comment: Not observed at significant frequency in large population cohorts (gnomAD); In silico analysis supports that this missense variant has a deleterious effect on protein structure/function; Has not been previously published as pathogenic or benign to our knowledge

NM_001110556.2(FLNA):c.5758T>C (p.Cys1920Arg)

Gene: FLNA (filamin A; minus strand). Cytogenetic location: Xq28.
Variant type: single nucleotide variant.
Coding change: c.5758T>C on transcript NM_001110556.2 (MANE Select); coding-DNA position 5758, T replaced by C.
Protein change: p.Cys1920Arg; replaces cysteine 1920 with arginine.
Molecular consequence: missense variant.
Genome position (GRCh38, 1-based): chrX:154,353,656, A>G on the plus strand (T>C on the coding strand, the complement: FLNA is on the minus strand). VCF-style: chrX-154353656-A-G. GRCh37 (hg19) VCF-style: chrX-153582024-A-G.
Other names: c.5734T>C, p.Cys1912Arg (NM_001456.4); short protein forms C1912R, C1920R.
Identifiers: ClinVar variation 4538049 (VCV004538049.1).